The following is an entry in ClinVar:

ClinVar aggregate classification (germline): Pathogenic (1 of 4 stars; one submission).

Submission:

Labcorp Genetics (formerly Invitae), Labcorp
Classification: Pathogenic. Last evaluated: 2022-05-12. Review status: criteria provided, single submitter. Criteria: Invitae Variant Classification Sherloc (09022015). Collection method: clinical testing. Allele origin: germline.
Comment: This sequence change creates a premature translational stop signal (p.Leu32Serfs*15) in the POLE gene. It is expected to result in an absent or disrupted protein product. Loss-of-function variants in POLE are known to be pathogenic (PMID: 23230001, 25948378, 30503519). This variant is not present in population databases (gnomAD no frequency). This variant has not been reported in the literature in individuals affected with POLE-related conditions. Algorithms developed to predict the effect of sequence changes on RNA splicing suggest that this variant may create or strengthen a splice site. For these reasons, this variant has been classified as Pathogenic.

Literature cited by the submitters: PubMed 23230001; PubMed 25948378; PubMed 30503519.

NM_006231.4(POLE):c.92_93insCAGTTTCGTC (p.Leu32fs)

Gene: POLE (DNA polymerase epsilon, catalytic subunit; minus strand). Cytogenetic location: 12q24.33.
Variant type: Insertion.
Coding change: c.92_93insCAGTTTCGTC on transcript NM_006231.4 (MANE Select); coding-DNA positions 92 to 93, CAGTTTCGTC inserted.
Protein change: p.Leu32fs; shifts the reading frame from leucine 32.
Molecular consequence: frameshift variant.
Genome position: GRCh38 VCF-style: chr12-132681249-T-TGACGAAACTG. GRCh37 (hg19) VCF-style: chr12-133257835-T-TGACGAAACTG.
Other names: short protein forms L32fs.
Identifiers: ClinVar variation 1516414 (VCV001516414.8), dbSNP rs2136034735, ClinGen allele CA2573148308.
Genomic context (GRCh38, chr12:132,681,249, plus strand): 5'-CTCAAAACCAAACCGCAAATCCATCTTATCCGTCCACTGACTCCGTTCCAGGCGCTTGAG[T>TGACGAAACTG]GCCGAAACTGAGGAAGTGGCGCCATCATCCCTGAGTGAAAGAAGGGAACCCCGTGCTTAA-3'